The following is an entry in ClinVar:

ClinVar aggregate classification (germline): Likely pathogenic (1 of 4 stars; one submission).

Submission:

Dasa
Classification: Likely pathogenic. Last evaluated: 2025-08-10. Review status: criteria provided, single submitter. Criteria: DASA Assertion Criteria. Collection method: clinical testing. Allele origin: germline.
Comment: NM_130839.5(UBE3A):c.2011_2015del (p.Asp671Hisfs*15) is a frameshift variant in UBE3A predicted to alter the reading frame and introduce a premature termination codon and is predicted to result in an absent or altered protein product. Loss of function is an established disease mechanism for UBE3A (PMID: 20034088; PMID: 19213023; PMID: 8988172). Also, this variant is absent from population databases. Based on the currently available evidence, this variant is classified as likely pathogenic.

Literature cited by the submitters: PubMed 20034088; PubMed 19213023; PubMed 8988172.

NM_130839.5(UBE3A):c.2011_2015del (p.Asp671fs)

Genes: SNHG14 (small nucleolar RNA host gene 14; plus strand), UBE3A (ubiquitin protein ligase E3A; minus strand). Cytogenetic location: 15q11.2.
Variant type: Deletion.
Coding change: c.2011_2015del on transcript NM_130839.5 (MANE Select); coding-DNA positions 2011 to 2015, 5 bases deleted (GATGA; older notation c.2011_2015delGATGA).
Protein change: p.Asp671fs; shifts the reading frame from aspartic acid 671.
Molecular consequence: frameshift variant. On other transcripts: non-coding transcript variant (1), intron variant (1).
Genome position (GRCh38, 1-based): chr15:25,356,001-25,356,005, TCATC deleted on the plus strand (GATGA on the coding strand, the reverse complement: UBE3A is on the minus strand); deleting any 5 consecutive bases within chr15:25,356,001-25,356,006 gives the same sequence; the c. name uses the placement nearest the transcript's 3' end. VCF-style (leftmost placement, unchanged base first): chr15-25356000-GTCATC-G. GRCh37 (hg19) VCF-style: chr15-25601147-GTCATC-G.
Other names: c.1951_1955del, p.Asp651fs (NM_001354511.2, NM_001354512.2, NM_001354513.2 and 16 more transcripts); c.2011_2015del, p.Asp671fs (NM_001354538.2, NM_001354505.1, NM_001354545.2); c.1899+686_1899+690del (NM_001354549.2); c.2020_2024del, p.Asp674fs (NM_000462.5); c.1834_1838del, p.Asp612fs (NM_001354546.2); c.760_764del, p.Asp254fs (NM_001354550.2); c.700_704del, p.Asp234fs (NM_001354551.2); short protein forms D234fs, D254fs, D612fs, D651fs, D671fs, D674fs.
Identifiers: ClinVar variation 4856848 (VCV004856848.2).
Genomic context (GRCh38, chr15:25,356,000, plus strand): 5'-ATCATACATCATTGGGTTACCAAAAAGATCTGTCTGTGATATCTGGAAAGTGATCATCAT[GTCATC>G]TTCCACATTCCCTTCATACTCCAATAAATCTTTTAAACTCTGATATAGAACCTAGCAACC-3'